The following is an entry in ClinVar:

ClinVar aggregate classification (germline): Uncertain significance (1 of 4 stars; one submission).

Submission:

Labcorp Genetics (formerly Invitae), Labcorp
Classification: Uncertain significance. Last evaluated: 2024-06-25. Review status: criteria provided, single submitter. Criteria: Invitae Variant Classification Sherloc (09022015). Collection method: clinical testing. Allele origin: germline.
Comment: This sequence change replaces tyrosine, which is neutral and polar, with cysteine, which is neutral and slightly polar, at codon 1892 of the DNAH9 protein (p.Tyr1892Cys). This variant is present in population databases (no rsID available, gnomAD 0.0009%). This variant has not been reported in the literature in individuals affected with DNAH9-related conditions. Advanced modeling of protein sequence and biophysical properties (such as structural, functional, and spatial information, amino acid conservation, physicochemical variation, residue mobility, and thermodynamic stability) performed at Invitae indicates that this missense variant is expected to disrupt DNAH9 protein function with a positive predictive value of 80%. In summary, the available evidence is currently insufficient to determine the role of this variant in disease. Therefore, it has been classified as a Variant of Uncertain Significance.

NM_001372.4(DNAH9):c.5675A>G (p.Tyr1892Cys)

Gene: DNAH9 (dynein axonemal heavy chain 9; plus strand). Cytogenetic location: 17p12.
Variant type: single nucleotide variant.
Coding change: c.5675A>G on transcript NM_001372.4 (MANE Select); coding-DNA position 5675, A replaced by G.
Protein change: p.Tyr1892Cys; replaces tyrosine 1892 with cysteine.
Molecular consequence: missense variant.
Genome position (GRCh38, 1-based): chr17:11,719,456, A>G. VCF-style: chr17-11719456-A-G. GRCh37 (hg19) VCF-style: chr17-11622773-A-G.
Other names: short protein forms Y1892C.
Identifiers: ClinVar variation 3701583 (VCV003701583.2).